The following is an entry in ClinVar:

ClinVar aggregate classification (germline): Uncertain significance (1 of 4 stars; one submission).

Conditions:
Cardiovascular phenotype. Identifiers: MedGen CN230736.

Submission:

Ambry Genetics
Classification: Uncertain significance for Cardiovascular phenotype. Last evaluated: 2025-07-22. Review status: criteria provided, single submitter. Criteria: Ambry Variant Classification Scheme 2023. Collection method: clinical testing. Allele origin: germline.
Comment: The p.P252L variant (also known as c.755C>T), located in coding exon 2 of the RBM20 gene, results from a C to T substitution at nucleotide position 755. The proline at codon 252 is replaced by leucine, an amino acid with similar properties. This amino acid position is conserved. In addition, this alteration is predicted to be tolerated by in silico analysis. Based on the available evidence, the clinical significance of this variant remains unclear.

NM_001134363.3(RBM20):c.755C>T (p.Pro252Leu)

Gene: RBM20 (RNA binding motif protein 20; plus strand). Cytogenetic location: 10q25.2.
Variant type: single nucleotide variant.
Coding change: c.755C>T on transcript NM_001134363.3 (MANE Select); coding-DNA position 755, C replaced by T.
Protein change: p.Pro252Leu; replaces proline 252 with leucine.
Molecular consequence: missense variant.
Genome position (GRCh38, 1-based): chr10:110,781,364, C>T. VCF-style: chr10-110781364-C-T. GRCh37 (hg19) VCF-style: chr10-112541122-C-T.
Other names: short protein forms P252L.
Identifiers: ClinVar variation 4151593 (VCV004151593.1).